The following is an entry in ClinVar:

ClinVar aggregate classification (germline): Likely benign. Review status: criteria provided, multiple submitters, no conflicts (2 of 4 stars). 2 submissions from 2 submitters: Likely benign (2). Last evaluated 2025-09-01.

Conditions:
Muscular dystrophy-dystroglycanopathy (congenital with brain and eye anomalies), type A9. Also called: WALKER-WARBURG SYNDROME OR MUSCLE-EYE BRAIN DISEASE, DAG1-RELATED; Muscular dystrophy-dystroglycanopathy (congenital with brain and eye anomalies), type a, 9. Identifiers: Orphanet 370997, Orphanet 899, MedGen C4225291, MONDO:0014683, OMIM 616538.
Autosomal recessive limb-girdle muscular dystrophy type 2P. Also called: MUSCULAR DYSTROPHY-DYSTROGLYCANOPATHY, LIMB-GIRDLE, DAG1-RELATED; Limb-Girdle Muscular Dystrophy Type 9C; MUSCULAR DYSTROPHY, LIMB-GIRDLE, TYPE 2P. Identifiers: Orphanet 280333, MedGen C4511963, MONDO:0013440, OMIM 613818.

Allele frequency attached by ClinVar (database versions not stated): gnomAD 0.00001; TOPMed 0.00001; ExAC 0.00002; gnomAD exomes 0.00002 and 0.00003.
gnomAD v4.1: 39 of 1,610,678 alleles (0.0024%); highest among the groups gnomAD compares: Non-Finnish European, 0.0031%; no homozygotes.

Submissions (2):

CeGaT Center for Human Genetics Tuebingen
Classification: Likely benign. Last evaluated: 2025-09-01. Review status: criteria provided, single submitter. Criteria: CeGaT Center For Human Genetics Tuebingen Variant Classification Criteria Version 2. Collection method: clinical testing. Allele origin: germline. Affected: yes. Observed: 2 variant alleles.
Comment: DAG1: BP4, BP7

Labcorp Genetics (formerly Invitae), Labcorp
Classification: Likely benign for Autosomal recessive limb-girdle muscular dystrophy type 2P; Muscular dystrophy-dystroglycanopathy (congenital with brain and eye anomalies), type A9. Last evaluated: 2024-12-23. Review status: criteria provided, single submitter. Criteria: Invitae Variant Classification Sherloc (09022015). Collection method: clinical testing. Allele origin: germline.

NM_004393.6(DAG1):c.1014C>T (p.Ile338=)

Gene: DAG1 (dystroglycan 1; plus strand). Cytogenetic location: 3p21.31.
Variant type: single nucleotide variant.
Coding change: c.1014C>T on transcript NM_004393.6 (MANE Select); coding-DNA position 1014, C replaced by T.
Protein change: p.Ile338=; no amino-acid change (isoleucine 338 retained).
Molecular consequence: synonymous variant.
Genome position (GRCh38, 1-based): chr3:49,531,525, C>T. VCF-style: chr3-49531525-C-T. GRCh37 (hg19) VCF-style: chr3-49568958-C-T.
Other names: c.1014C>T, p.Ile338= (NM_001165928.4, NM_001177634.3, NM_001177635.3 and 9 more transcripts).
Identifiers: ClinVar variation 539134 (VCV000539134.39), dbSNP rs773685771, ClinGen allele CA2398997.